The following is an entry in ClinVar:

NM_002693.3(POLG):c.815C>G (p.Ser272Cys)

Gene: POLG (DNA polymerase gamma, catalytic subunit; minus strand). Cytogenetic location: 15q26.1.
Variant type: single nucleotide variant.
Coding change: c.815C>G on transcript NM_002693.3 (MANE Select); coding-DNA position 815, C replaced by G.
Protein change: p.Ser272Cys; replaces serine 272 with cysteine.
Molecular consequence: missense variant.
Genome position (GRCh38, 1-based): chr15:89,330,121, G>C on the plus strand (C>G on the coding strand, the complement: POLG is on the minus strand). VCF-style: chr15-89330121-G-C. GRCh37 (hg19) VCF-style: chr15-89873352-G-C.
Other names: c.815C>G, p.Ser272Cys (NM_001126131.2); short protein forms S272C.
Identifiers: ClinVar variation 2123461 (VCV002123461.4), dbSNP rs2509265173, ClinGen allele CA393766707.

ClinVar aggregate classification (germline): Uncertain significance (1 of 4 stars; one submission).

Conditions:
Progressive sclerosing poliodystrophy (MTDPS4A). Also called: Mitochondrial DNA Depletion Syndrome 4A; Alpers-Huttenlocher Syndrome (AHS); ALPERS PROGRESSIVE INFANTILE POLIODYSTROPHY; NEURONAL DEGENERATION OF CHILDHOOD WITH LIVER DISEASE, PROGRESSIVE; Mitochondrial DNA depletion syndrome 4A (Alpers type); Alpers Syndrome. Identifiers: Orphanet 726, MedGen C0205710, MONDO:0008758, OMIM 203700.

Submission:

Labcorp Genetics (formerly Invitae), Labcorp
Classification: Uncertain significance for Progressive sclerosing poliodystrophy. Last evaluated: 2022-04-09. Review status: criteria provided, single submitter. Criteria: Invitae Variant Classification Sherloc (09022015). Collection method: clinical testing. Allele origin: germline.
Comment: This sequence change replaces serine, which is neutral and polar, with cysteine, which is neutral and slightly polar, at codon 272 of the POLG protein (p.Ser272Cys). This variant is not present in population databases (gnomAD no frequency). This variant has not been reported in the literature in individuals affected with POLG-related conditions. Algorithms developed to predict the effect of missense changes on protein structure and function output the following: SIFT: "Tolerated"; PolyPhen-2: "Benign"; Align-GVGD: "Class C0". The cysteine amino acid residue is found in multiple mammalian species, which suggests that this missense change does not adversely affect protein function. In summary, the available evidence is currently insufficient to determine the role of this variant in disease. Therefore, it has been classified as a Variant of Uncertain Significance.